The following is an entry in ClinVar:

ClinVar aggregate classification (germline): Conflicting classifications of pathogenicity. Review status: criteria provided, conflicting classifications (1 of 4 stars). 2 submissions from 2 submitters: Uncertain significance (1); Likely benign (1). Last evaluated 2025-10-08.

Conditions:
Kabuki syndrome. Also called: Kabuki make-up syndrome; NIIKAWA-KUROKI SYNDROME. Identifiers: Orphanet 2322, MedGen C0796004, MONDO:0016512.
KMT2D-related disorder. Also called: KMT2D-Related Disorders.

gnomAD v4.1: 12 of 1,613,712 alleles (0.00074%); highest among the groups gnomAD compares: Non-Finnish European, 0.001%; no homozygotes.

Submissions (2):

Labcorp Genetics (formerly Invitae), Labcorp
Classification: Likely benign for Kabuki syndrome. Last evaluated: 2025-10-08. Review status: criteria provided, single submitter. Criteria: Invitae Variant Classification Sherloc (09022015). Collection method: clinical testing. Allele origin: germline.

PreventionGenetics, part of Exact Sciences
Classification: Uncertain significance for KMT2D-related condition. Last evaluated: 2025-08-08. Review status: criteria provided, single submitter. Criteria: ACMG Guidelines, 2015. Collection method: clinical testing. Allele origin: germline.
Comment: The KMT2D c.2193G>T variant is predicted to result in the amino acid substitution p.Glu731Asp. To our knowledge, this variant has not been reported in the literature. This variant is reported in 0.00090% of alleles in individuals of European (Non-Finnish) descent in gnomAD. At this time, the clinical significance of this variant is uncertain due to the absence of conclusive functional and genetic evidence.

NM_003482.4(KMT2D):c.2193G>T (p.Glu731Asp)

Gene: KMT2D (lysine methyltransferase 2D; minus strand). Cytogenetic location: 12q13.12.
Variant type: single nucleotide variant.
Coding change: c.2193G>T on transcript NM_003482.4 (MANE Select); coding-DNA position 2193, G replaced by T.
Protein change: p.Glu731Asp; replaces glutamic acid 731 with aspartic acid.
Molecular consequence: missense variant.
Genome position (GRCh38, 1-based): chr12:49,051,490, C>A on the plus strand (G>T on the coding strand, the complement: KMT2D is on the minus strand). VCF-style: chr12-49051490-C-A. GRCh37 (hg19) VCF-style: chr12-49445273-C-A.
Other names: short protein forms E731D.
Identifiers: ClinVar variation 4744930 (VCV004744930.2).